The following is an entry in ClinVar:

NM_014249.4(NR2E3):c.62G>A (p.Gly21Glu)

Gene: NR2E3 (nuclear receptor subfamily 2 group E member 3; plus strand). Cytogenetic location: 15q23.
Variant type: single nucleotide variant.
Coding change: c.62G>A on transcript NM_014249.4 (MANE Select); coding-DNA position 62, G replaced by A.
Protein change: p.Gly21Glu; replaces glycine 21 with glutamic acid.
Molecular consequence: missense variant.
Genome position (GRCh38, 1-based): chr15:71,810,805, G>A. VCF-style: chr15-71810805-G-A. GRCh37 (hg19) VCF-style: chr15-72103145-G-A.
Other names: c.62G>A, p.Gly21Glu (NM_016346.4); short protein forms G21E.
Identifiers: ClinVar variation 2575565 (VCV002575565.4), dbSNP rs1385496653, ClinGen allele CA393031609.

ClinVar aggregate classification (germline): Uncertain significance. Review status: criteria provided, multiple submitters, no conflicts (2 of 4 stars). 3 submissions from 3 submitters: Uncertain significance (3). Last evaluated 2024-12-26.

Allele frequency attached by ClinVar (database versions not stated): gnomAD exomes below 0.00001; TOPMed 0.00002; gnomAD 0.00003.
gnomAD v4.1: 7 of 1,575,452 alleles (0.00044%); highest among the groups gnomAD compares: African/African-American, 0.0095%; no homozygotes.

Submissions (3):

Labcorp Genetics (formerly Invitae), Labcorp
Classification: Uncertain significance. Last evaluated: 2024-12-26. Review status: criteria provided, single submitter. Criteria: Invitae Variant Classification Sherloc (09022015). Collection method: clinical testing. Allele origin: germline.
Comment: This sequence change replaces glycine, which is neutral and non-polar, with glutamic acid, which is acidic and polar, at codon 21 of the NR2E3 protein (p.Gly21Glu). This variant is not present in population databases (gnomAD no frequency). This variant has not been reported in the literature in individuals affected with NR2E3-related conditions. ClinVar contains an entry for this variant (Variation ID: 2575565). Invitae Evidence Modeling of protein sequence and biophysical properties (such as structural, functional, and spatial information, amino acid conservation, physicochemical variation, residue mobility, and thermodynamic stability) indicates that this missense variant is not expected to disrupt NR2E3 protein function with a negative predictive value of 95%. In summary, the available evidence is currently insufficient to determine the role of this variant in disease. Therefore, it has been classified as a Variant of Uncertain Significance.

GeneDx
Classification: Uncertain significance. Last evaluated: 2023-02-06. Review status: criteria provided, single submitter. Criteria: GeneDx Variant Classification Process June 2021. Collection method: clinical testing. Allele origin: germline. Affected: yes.
Comment: Not observed at significant frequency in large population cohorts (gnomAD); In silico analysis supports that this missense variant has a deleterious effect on protein structure/function; Has not been previously published as pathogenic or benign to our knowledge

Blueprint Genetics
Classification: Uncertain significance. Last evaluated: 2022-06-06. Review status: criteria provided, single submitter. Criteria: ACMG Guidelines, 2015. Collection method: clinical testing. Allele origin: germline.